The following is an entry in ClinVar:

ClinVar aggregate classification (germline): Uncertain significance (1 of 4 stars; one submission).

Conditions:
Dilated cardiomyopathy 1J (CMD1J). Also called: CARDIOMYOPATHY, DILATED, WITH SENSORINEURAL HEARING LOSS, AUTOSOMAL DOMINANT. Identifiers: Orphanet 217622, MedGen C1854368, MONDO:0011541, OMIM 605362.

Allele frequency attached by ClinVar (database versions not stated): gnomAD exomes below 0.00001; ExAC 0.00001.
gnomAD v4.1: 2 of 1,600,432 alleles (0.00012%); highest among the groups gnomAD compares: Non-Finnish European, 0.00017%; no homozygotes.

Submission:

Labcorp Genetics (formerly Invitae), Labcorp
Classification: Uncertain significance for Dilated cardiomyopathy 1J. Last evaluated: 2024-10-13. Review status: criteria provided, single submitter. Criteria: Invitae Variant Classification Sherloc (09022015). Collection method: clinical testing. Allele origin: germline.
Comment: This sequence change replaces leucine, which is neutral and non-polar, with phenylalanine, which is neutral and non-polar, at codon 421 of the EYA4 protein (p.Leu421Phe). The frequency data for this variant in the population databases is considered unreliable, as metrics indicate poor data quality at this position in the gnomAD database. This variant has not been reported in the literature in individuals affected with EYA4-related conditions. ClinVar contains an entry for this variant (Variation ID: 665297). Invitae Evidence Modeling of protein sequence and biophysical properties (such as structural, functional, and spatial information, amino acid conservation, physicochemical variation, residue mobility, and thermodynamic stability) indicates that this missense variant is not expected to disrupt EYA4 protein function with a negative predictive value of 80%. In summary, the available evidence is currently insufficient to determine the role of this variant in disease. Therefore, it has been classified as a Variant of Uncertain Significance.

NM_004100.5(EYA4):c.1263G>T (p.Leu421Phe)

Genes: TARID (TCF21 antisense RNA inducing promoter demethylation; minus strand), EYA4 (EYA transcriptional coactivator and phosphatase 4; plus strand), LOC126859796 (MED14-independent group 3 enhancer GRCh37_chr6:133826289-133827488; plus strand). Cytogenetic location: 6q23.2.
Variant type: single nucleotide variant.
Coding change: c.1263G>T on transcript NM_004100.5 (MANE Select); coding-DNA position 1263, G replaced by T.
Protein change: p.Leu421Phe; replaces leucine 421 with phenylalanine.
Molecular consequence: missense variant. On other transcripts: non-coding transcript variant (1).
Genome position (GRCh38, 1-based): chr6:133,506,177, G>T. VCF-style: chr6-133506177-G-T. GRCh37 (hg19) VCF-style: chr6-133827315-G-T.
Other names: c.1101G>T, p.Leu367Phe (NM_001301012.2); c.1281G>T, p.Leu427Phe (NM_001301013.2); c.1194G>T, p.Leu398Phe (NM_001370458.1, NM_172103.4); c.1119G>T, p.Leu373Phe (NM_001370459.1); c.1263G>T, p.Leu421Phe (NM_172105.4); short protein forms L421F, L427F, L367F, L398F, L373F.
Identifiers: ClinVar variation 665297 (VCV000665297.9), dbSNP rs762982137, ClinGen allele CA4008309.